The following is an entry in ClinVar:

ClinVar aggregate classification (germline): Uncertain significance (1 of 4 stars; one submission).

Conditions:
Progressive encephalopathy with leukodystrophy due to DECR deficiency. Identifiers: Orphanet 431361, MedGen C1857252, MONDO:0014464, OMIM 616034.

Submission:

Labcorp Genetics (formerly Invitae), Labcorp
Classification: Uncertain significance for Progressive encephalopathy with leukodystrophy due to DECR deficiency. Last evaluated: 2025-05-22. Review status: criteria provided, single submitter. Criteria: Invitae Variant Classification Sherloc (09022015). Collection method: clinical testing. Allele origin: germline.
Comment: This sequence change replaces tyrosine, which is neutral and polar, with histidine, which is basic and polar, at codon 144 of the NADK2 protein (p.Tyr144His). This variant is not present in population databases (gnomAD no frequency). This variant has not been reported in the literature in individuals affected with NADK2-related conditions. Invitae Evidence Modeling of protein sequence and biophysical properties (such as structural, functional, and spatial information, amino acid conservation, physicochemical variation, residue mobility, and thermodynamic stability) indicates that this missense variant is expected to disrupt NADK2 protein function with a positive predictive value of 80%. In summary, the available evidence is currently insufficient to determine the role of this variant in disease. Therefore, it has been classified as a Variant of Uncertain Significance.

NM_001085411.3(NADK2):c.430T>C (p.Tyr144His)

Gene: NADK2 (NAD kinase 2, mitochondrial; minus strand). Cytogenetic location: 5p13.2.
Variant type: single nucleotide variant.
Coding change: c.430T>C on transcript NM_001085411.3 (MANE Select); coding-DNA position 430, T replaced by C.
Protein change: p.Tyr144His; replaces tyrosine 144 with histidine.
Molecular consequence: missense variant. On other transcripts: 5 prime UTR variant (3).
Genome position (GRCh38, 1-based): chr5:36,226,523, A>G on the plus strand (T>C on the coding strand, the complement: NADK2 is on the minus strand). VCF-style: chr5-36226523-A-G. GRCh37 (hg19) VCF-style: chr5-36226625-A-G.
Other names: c.-60T>C (NM_001287340.2, NM_001287341.2, NM_153013.5); short protein forms Y144H.
Identifiers: ClinVar variation 4738964 (VCV004738964.1).
Genomic context (GRCh38, chr5:36,226,523, plus strand): 5'-TCAAATTATTACCTCCTGCAGCTATGACAGCATCTGCCCATCGAACAGTCTCTTCATCAT[A>G]TTCTCTCCTCTTTACTAGACGAACCTCAATTCCCTCATTCCTAGGATAAAAAAGGAAAGG-3'
Protein context (NP_001078880.1, residues 134-154): IEVRLVKRRE[Tyr144His]DEETVRWADA